The following is an entry in ClinVar:

NM_182916.3(TRNT1):c.73C>A (p.Gln25Lys)

Gene: TRNT1 (tRNA nucleotidyl transferase 1; plus strand). Cytogenetic location: 3p26.2.
Variant type: single nucleotide variant.
Coding change: c.73C>A on transcript NM_182916.3 (MANE Select); coding-DNA position 73, C replaced by A.
Protein change: p.Gln25Lys; replaces glutamine 25 with lysine.
Molecular consequence: missense variant. On other transcripts: non-coding transcript variant (11).
Genome position (GRCh38, 1-based): chr3:3,129,113, C>A. VCF-style: chr3-3129113-C-A. GRCh37 (hg19) VCF-style: chr3-3170797-C-A.
Other names: c.73C>A, p.Gln25Lys (NM_001302946.2, NM_001367321.1, NM_001367322.1 and 1 more transcripts); short protein forms Q25K.
Identifiers: ClinVar variation 2129809 (VCV002129809.4), dbSNP rs1415152805, ClinGen allele CA351442235.

ClinVar aggregate classification (germline): Uncertain significance (1 of 4 stars; one submission).

Conditions:
Congenital sideroblastic anemia-B-cell immunodeficiency-periodic fever-developmental delay syndrome. Also called: Sideroblastic anemia with B-cell immunodeficiency, periodic fevers, and developmental delay. Identifiers: Orphanet 369861, MedGen C4015172, MONDO:0014487, OMIM 616084.

Submission:

Labcorp Genetics (formerly Invitae), Labcorp
Classification: Uncertain significance for Congenital sideroblastic anemia-B-cell immunodeficiency-periodic fever-developmental delay syndrome. Last evaluated: 2022-10-17. Review status: criteria provided, single submitter. Criteria: Invitae Variant Classification Sherloc (09022015). Collection method: clinical testing. Allele origin: germline.
Comment: This sequence change replaces glutamine, which is neutral and polar, with lysine, which is basic and polar, at codon 25 of the TRNT1 protein (p.Gln25Lys). In summary, the available evidence is currently insufficient to determine the role of this variant in disease. Therefore, it has been classified as a Variant of Uncertain Significance. Algorithms developed to predict the effect of missense changes on protein structure and function output the following: SIFT: "Tolerated"; PolyPhen-2: "Benign"; Align-GVGD: "Class C0". The lysine amino acid residue is found in multiple mammalian species, which suggests that this missense change does not adversely affect protein function. This variant has not been reported in the literature in individuals affected with TRNT1-related conditions. This variant is not present in population databases (gnomAD no frequency).